The following is an entry in ClinVar:

ClinVar aggregate classification (germline): Uncertain significance. Review status: criteria provided, multiple submitters, no conflicts (2 of 4 stars). 2 submissions from 2 submitters: Uncertain significance (2). Last evaluated 2025-10-29.

Allele frequency attached by ClinVar (database versions not stated): gnomAD exomes 0.00004; gnomAD 0.00007; ExAC 0.00009; TOPMed 0.00009; 1000 Genomes Project 30x 0.00016; 1000 Genomes Project 0.00020.
gnomAD v4.1: 74 of 1,614,082 alleles (0.0046%); highest among the groups gnomAD compares: South Asian, 0.054%; no homozygotes.

Submissions (2):

Ambry Genetics
Classification: Uncertain significance. Last evaluated: 2025-10-29. Review status: criteria provided, single submitter. Criteria: Ambry Variant Classification Scheme 2023. Collection method: clinical testing. Allele origin: germline.

Labcorp Genetics (formerly Invitae), Labcorp
Classification: Uncertain significance. Last evaluated: 2025-05-01. Review status: criteria provided, single submitter. Criteria: Invitae Variant Classification Sherloc (09022015). Collection method: clinical testing. Allele origin: germline.
Comment: This sequence change replaces arginine, which is basic and polar, with histidine, which is basic and polar, at codon 936 of the FUK protein (p.Arg936His). This variant is present in population databases (rs199722781, gnomAD 0.04%). This variant has not been reported in the literature in individuals affected with FUK-related conditions. ClinVar contains an entry for this variant (Variation ID: 1980578). An algorithm developed to predict the effect of missense changes on protein structure and function (PolyPhen-2) suggests that this variant is likely to be disruptive. In summary, the available evidence is currently insufficient to determine the role of this variant in disease. Therefore, it has been classified as a Variant of Uncertain Significance.

NM_145059.3(FCSK):c.2807G>A (p.Arg936His)

Gene: FCSK (fucose kinase; plus strand). Cytogenetic location: 16q22.1.
Variant type: single nucleotide variant.
Coding change: c.2807G>A on transcript NM_145059.3 (MANE Select); coding-DNA position 2807, G replaced by A.
Protein change: p.Arg936His; replaces arginine 936 with histidine.
Molecular consequence: missense variant.
Genome position (GRCh38, 1-based): chr16:70,478,437, G>A. VCF-style: chr16-70478437-G-A. GRCh37 (hg19) VCF-style: chr16-70512340-G-A.
Other names: c.2807G>A (NM_145059.2); short protein forms R936H.
Identifiers: ClinVar variation 1980578 (VCV001980578.6), dbSNP rs199722781, ClinGen allele CA8143736.